The following is an entry in ClinVar:

NM_000093.5(COL5A1):c.3346G>T (p.Ala1116Ser)

Gene: COL5A1 (collagen type V alpha 1 chain; plus strand). Cytogenetic location: 9q34.3.
Variant type: single nucleotide variant.
Coding change: c.3346G>T on transcript NM_000093.5 (MANE Select); coding-DNA position 3346, G replaced by T.
Protein change: p.Ala1116Ser; replaces alanine 1116 with serine.
Molecular consequence: missense variant.
Genome position (GRCh38, 1-based): chr9:134,806,276, G>T. VCF-style: chr9-134806276-G-T. GRCh37 (hg19) VCF-style: chr9-137698122-G-T.
Other names: c.3346G>T, p.Ala1116Ser (NM_001278074.1); short protein forms A1116S.
Identifiers: ClinVar variation 1381310 (VCV001381310.9), dbSNP rs1838294621, ClinGen allele CA375451785.

ClinVar aggregate classification (germline): Uncertain significance. Review status: criteria provided, multiple submitters, no conflicts (2 of 4 stars). 2 submissions from 2 submitters: Uncertain significance (2). Last evaluated 2022-05-27.

Conditions:
Ehlers-Danlos syndrome, classic type, 1 (EDSCL1). Also called: EHLERS-DANLOS SYNDROME, GRAVIS TYPE; EHLERS-DANLOS SYNDROME, SEVERE CLASSIC TYPE; Ehlers-Danlos syndrome, type 1; EDS I; Ehlers-Danlos Syndrome, Classic Type, COL5A1-Related. Identifiers: MedGen C0268335, MONDO:0019567, OMIM 130000.

Allele frequency attached by ClinVar (database versions not stated): gnomAD 0.00001; TOPMed below 0.00001.

Submissions (2):

Clinical Genetics Laboratory, Skane University Hospital Lund
Classification: Uncertain significance. Last evaluated: 2022-05-27. Review status: criteria provided, single submitter. Criteria: ACMG Guidelines, 2015. Collection method: clinical testing. Allele origin: germline. Affected: yes.

Labcorp Genetics (formerly Invitae), Labcorp
Classification: Uncertain significance for Ehlers-Danlos syndrome, classic type, 1. Last evaluated: 2021-03-24. Review status: criteria provided, single submitter. Criteria: Invitae Variant Classification Sherloc (09022015). Collection method: clinical testing. Allele origin: germline.
Comment: This sequence change replaces alanine with serine at codon 1116 of the COL5A1 protein (p.Ala1116Ser). The alanine residue is highly conserved and there is a moderate physicochemical difference between alanine and serine. In summary, the available evidence is currently insufficient to determine the role of this variant in disease. Therefore, it has been classified as a Variant of Uncertain Significance. Advanced modeling of protein sequence and biophysical properties (such as structural, functional, and spatial information, amino acid conservation, physicochemical variation, residue mobility, and thermodynamic stability) performed at Invitae indicates that this missense variant is not expected to disrupt COL5A1 protein function. This variant has not been reported in the literature in individuals with COL5A1-related conditions. This variant is not present in population databases (ExAC no frequency).